The following is an entry in ClinVar:

ClinVar aggregate classification (germline): Uncertain significance (1 of 4 stars; one submission).

Conditions:
Treacher Collins syndrome 1 (TCS1). Also called: TCOF1-Related Treacher Collins Syndrome. Identifiers: Orphanet 861, MedGen CN315775, MONDO:0007944, OMIM 154500.

Submission:

Labcorp Genetics (formerly Invitae), Labcorp
Classification: Uncertain significance for Treacher Collins syndrome 1. Last evaluated: 2024-05-13. Review status: criteria provided, single submitter. Criteria: Invitae Variant Classification Sherloc (09022015). Collection method: clinical testing. Allele origin: germline.
Comment: This sequence change replaces proline, which is neutral and non-polar, with serine, which is neutral and polar, at codon 589 of the TCOF1 protein (p.Pro589Ser). This variant is present in population databases (rs771439627, gnomAD 0.0009%). This variant has not been reported in the literature in individuals affected with TCOF1-related conditions. Advanced modeling of protein sequence and biophysical properties (such as structural, functional, and spatial information, amino acid conservation, physicochemical variation, residue mobility, and thermodynamic stability) performed at Invitae indicates that this missense variant is not expected to disrupt TCOF1 protein function with a negative predictive value of 80%. In summary, the available evidence is currently insufficient to determine the role of this variant in disease. Therefore, it has been classified as a Variant of Uncertain Significance.

NM_001371623.1(TCOF1):c.1765C>T (p.Pro589Ser)

Gene: TCOF1 (treacle ribosome biogenesis factor 1; plus strand). Cytogenetic location: 5q32.
Variant type: single nucleotide variant.
Coding change: c.1765C>T on transcript NM_001371623.1 (MANE Select); coding-DNA position 1765, C replaced by T.
Protein change: p.Pro589Ser; replaces proline 589 with serine.
Molecular consequence: missense variant.
Genome position (GRCh38, 1-based): chr5:150,375,781, C>T. VCF-style: chr5-150375781-C-T. GRCh37 (hg19) VCF-style: chr5-149755344-C-T.
Other names: c.1534C>T, p.Pro512Ser (NM_000356.4, NM_001135245.2); c.1765C>T, p.Pro589Ser (NM_001008657.3, NM_001135243.2, NM_001135244.2 and 1 more transcripts); short protein forms P589S, P512S.
Identifiers: ClinVar variation 3665068 (VCV003665068.2).